The following is an entry in ClinVar:

NM_145059.3(FCSK):c.554A>C (p.Asn185Thr)

Gene: FCSK (fucose kinase; plus strand). Cytogenetic location: 16q22.1.
Variant type: single nucleotide variant.
Coding change: c.554A>C on transcript NM_145059.3 (MANE Select); coding-DNA position 554, A replaced by C.
Protein change: p.Asn185Thr; replaces asparagine 185 with threonine.
Molecular consequence: missense variant.
Genome position (GRCh38, 1-based): chr16:70,467,443, A>C. VCF-style: chr16-70467443-A-C. GRCh37 (hg19) VCF-style: chr16-70501346-A-C.
Other names: short protein forms N185T.
Identifiers: ClinVar variation 2190655 (VCV002190655.4), dbSNP rs952069585, ClinGen allele CA283462967.

ClinVar aggregate classification (germline): Uncertain significance (1 of 4 stars; one submission).

Allele frequency attached by ClinVar (database versions not stated): gnomAD exomes below 0.00001; TOPMed 0.00001.
gnomAD v4.1: 7 of 1,608,558 alleles (0.00044%); highest among the groups gnomAD compares: Non-Finnish European, 0.00051%; no homozygotes.

Submission:

Labcorp Genetics (formerly Invitae), Labcorp
Classification: Uncertain significance. Last evaluated: 2022-06-29. Review status: criteria provided, single submitter. Criteria: Invitae Variant Classification Sherloc (09022015). Collection method: clinical testing. Allele origin: germline.
Comment: This sequence change replaces asparagine, which is neutral and polar, with threonine, which is neutral and polar, at codon 185 of the FUK protein (p.Asn185Thr). This variant is present in population databases (no rsID available, gnomAD 0.003%). This variant has not been reported in the literature in individuals affected with FUK-related conditions. Algorithms developed to predict the effect of missense changes on protein structure and function are either unavailable or do not agree on the potential impact of this missense change (SIFT: "Deleterious"; PolyPhen-2: "Benign"; Align-GVGD: "Class C0"). In summary, the available evidence is currently insufficient to determine the role of this variant in disease. Therefore, it has been classified as a Variant of Uncertain Significance.